The following is an entry in ClinVar:

ClinVar aggregate classification (germline): Uncertain significance. Review status: criteria provided, multiple submitters, no conflicts (2 of 4 stars). 3 submissions from 3 submitters: Uncertain significance (3). Last evaluated 2025-04-23.

Conditions:
Charcot-Marie-Tooth disease type 2. Also called: Charcot-Marie-Tooth type 2. Identifiers: Orphanet 64746, MedGen C0270914, MONDO:0018993.

Submissions (3):

Labcorp Genetics (formerly Invitae), Labcorp
Classification: Uncertain significance for Charcot-Marie-Tooth disease type 2. Last evaluated: 2025-04-23. Review status: criteria provided, single submitter. Criteria: Invitae Variant Classification Sherloc (09022015). Collection method: clinical testing. Allele origin: germline.
Comment: This sequence change replaces methionine, which is neutral and non-polar, with valine, which is neutral and non-polar, at codon 182 of the GARS protein (p.Met182Val). This variant is present in population databases (rs763935450, gnomAD 0.0009%). This variant has not been reported in the literature in individuals affected with GARS-related conditions. ClinVar contains an entry for this variant (Variation ID: 3518854). Invitae Evidence Modeling of protein sequence and biophysical properties (such as structural, functional, and spatial information, amino acid conservation, physicochemical variation, residue mobility, and thermodynamic stability) indicates that this missense variant is not expected to disrupt GARS protein function with a negative predictive value of 95%. In summary, the available evidence is currently insufficient to determine the role of this variant in disease. Therefore, it has been classified as a Variant of Uncertain Significance.

CeGaT Center for Human Genetics Tuebingen
Classification: Uncertain significance. Last evaluated: 2025-04-01. Review status: criteria provided, single submitter. Criteria: CeGaT Center For Human Genetics Tuebingen Variant Classification Criteria Version 2. Collection method: clinical testing. Allele origin: germline. Affected: yes. Observed: 1 variant allele.

Ambry Genetics
Classification: Uncertain significance. Last evaluated: 2024-11-10. Review status: criteria provided, single submitter. Criteria: Ambry Variant Classification Scheme 2023. Collection method: clinical testing. Allele origin: germline.

NM_002047.4(GARS1):c.544A>G (p.Met182Val)

Gene: GARS1 (glycyl-tRNA synthetase 1; plus strand). Cytogenetic location: 7p14.3.
Variant type: single nucleotide variant.
Coding change: c.544A>G on transcript NM_002047.4 (MANE Select); coding-DNA position 544, A replaced by G.
Protein change: p.Met182Val; replaces methionine 182 with valine.
Molecular consequence: missense variant.
Genome position (GRCh38, 1-based): chr7:30,601,175, A>G. VCF-style: chr7-30601175-A-G. GRCh37 (hg19) VCF-style: chr7-30640791-A-G.
Other names: c.382A>G, p.Met128Val (NM_001316772.1); short protein forms M128V, M182V.
Identifiers: ClinVar variation 3518854 (VCV003518854.9).